The following is an entry in ClinVar:

ClinVar aggregate classification (germline): Likely benign (0 of 4 stars; one submission).

Conditions:
LRP1B-related disorder. Also called: LRP1B-related condition.

Allele frequency attached by ClinVar (database versions not stated): 1000 Genomes Project 30x 0.00031; 1000 Genomes Project 0.00040; ExAC 0.00080; TOPMed 0.00093; gnomAD exomes 0.00099; gnomAD 0.00101; ESP Exome Variant Server 0.00123.
gnomAD v4.1: 1,605 of 1,613,970 alleles (0.099%); highest among the groups gnomAD compares: Admixed American, 0.12%; 3 homozygotes.

Submission:

PreventionGenetics, part of Exact Sciences
Classification: Likely benign for LRP1B-related condition. Last evaluated: 2019-03-13. Review status: no assertion criteria provided. Collection method: clinical testing. Allele origin: germline.
Comment: This variant is classified as likely benign based on ACMG/AMP sequence variant interpretation guidelines (Richards et al. 2015 PMID: 25741868, with internal and published modifications).

NM_018557.3(LRP1B):c.9318A>G (p.Thr3106=)

Gene: LRP1B (LDL receptor related protein 1B; minus strand). Cytogenetic location: 2q22.1.
Variant type: single nucleotide variant.
Coding change: c.9318A>G on transcript NM_018557.3 (MANE Select); coding-DNA position 9318, A replaced by G.
Protein change: p.Thr3106=; no amino-acid change (threonine 3106 retained).
Molecular consequence: synonymous variant.
Genome position (GRCh38, 1-based): chr2:140,485,450, T>C on the plus strand (A>G on the coding strand, the complement: LRP1B is on the minus strand). VCF-style: chr2-140485450-T-C. GRCh37 (hg19) VCF-style: chr2-141243019-T-C.
Identifiers: ClinVar variation 3035597 (VCV003035597.2), dbSNP rs145983879, ClinGen allele CA1893678.